The following is an entry in ClinVar:

NM_000059.4(BRCA2):c.3247A>G (p.Asn1083Asp)

Gene: BRCA2 (BRCA2 DNA repair associated; plus strand). Cytogenetic location: 13q13.1.
Variant type: single nucleotide variant.
Coding change: c.3247A>G on transcript NM_000059.4 (MANE Select); coding-DNA position 3247, A replaced by G.
Protein change: p.Asn1083Asp; replaces asparagine 1083 with aspartic acid.
Molecular consequence: missense variant.
Genome position (GRCh38, 1-based): chr13:32,337,602, A>G. VCF-style: chr13-32337602-A-G. GRCh37 (hg19) VCF-style: chr13-32911739-A-G.
Other names: short protein forms N1083D.
Identifiers: ClinVar variation 495449 (VCV000495449.7), dbSNP rs777994248, ClinGen allele CA387775963.

ClinVar aggregate classification (germline): Conflicting classifications of pathogenicity. Review status: criteria provided, conflicting classifications (1 of 4 stars). 4 submissions from 4 submitters: Uncertain significance (2); Likely benign (2). Last evaluated 2025-12-28.

Conditions:
Hereditary cancer-predisposing syndrome. Also called: Hereditary neoplastic syndrome; Tumor predisposition; Hereditary Cancer Syndrome; Neoplastic Syndromes, Hereditary. Identifiers: Orphanet 140162, MedGen C0027672, MeSH D009386, MONDO:0015356.
Hereditary breast ovarian cancer syndrome. Also called: Hereditary breast and/or ovarian cancer syndrome; BRCA1- and BRCA2-Associated Hereditary Breast and Ovarian Cancer; Breast and ovarian cancer; Hereditary breast and ovarian cancer; Hereditary breast and ovarian cancer syndrome; Hereditary breast and ovarian cancer syndrome (HBOC). Identifiers: Orphanet 145, MedGen C0677776, MeSH D061325, MONDO:0003582. Disease mechanism: loss of function.

gnomAD v4.1: 1 of 1,593,956 alleles (0.000063%); highest among the groups gnomAD compares: Non-Finnish European, 0.000085%; no homozygotes.

Submissions (4):

Labcorp Genetics (formerly Invitae), Labcorp
Classification: Uncertain significance for Hereditary breast ovarian cancer syndrome. Last evaluated: 2025-12-28. Review status: criteria provided, single submitter. Criteria: Invitae Variant Classification Sherloc (09022015). Collection method: clinical testing. Allele origin: germline.
Comment: This sequence change replaces asparagine, which is neutral and polar, with aspartic acid, which is acidic and polar, at codon 1083 of the BRCA2 protein (p.Asn1083Asp). This variant is not present in population databases (gnomAD no frequency). This variant has not been reported in the literature in individuals affected with BRCA2-related conditions. ClinVar contains an entry for this variant (Variation ID: 495449). Invitae Evidence Modeling of protein sequence and biophysical properties (such as structural, functional, and spatial information, amino acid conservation, physicochemical variation, residue mobility, and thermodynamic stability) indicates that this missense variant is not expected to disrupt BRCA2 protein function with a negative predictive value of 95%. In summary, the available evidence is currently insufficient to determine the role of this variant in disease. Therefore, it has been classified as a Variant of Uncertain Significance.

Ambry Genetics
Classification: Likely benign for Hereditary cancer-predisposing syndrome. Last evaluated: 2024-12-04. Review status: criteria provided, single submitter. Criteria: Ambry Variant Classification Scheme 2023. Collection method: clinical testing. Allele origin: germline.

University of Washington Department of Laboratory Medicine, University of Washington
Classification: Likely benign for Hereditary cancer-predisposing syndrome. Last evaluated: 2023-03-23. Review status: criteria provided, single submitter. Criteria: Dines et al. (Genet Med. 2020). Collection method: curation. Allele origin: germline.
Comment: Missense variant in a coldspot region where missense variants are very unlikely to be pathogenic (PMID:31911673).

BRCA2 exon 11 coldspot. Reclassification based on statistical prior probability.

Women's Health and Genetics/Laboratory Corporation of America, LabCorp
Classification: Uncertain significance. Last evaluated: 2016-05-23. Review status: criteria provided, single submitter. Criteria: LabCorp Variant Classification Summary - May 2015. Collection method: clinical testing. Allele origin: germline.
Comment: Variant summary: The BRCA2 c.3247A>G (p.Asn1083Asp) variant causes a missense change involving a non-conserved nucleotide with 4/5 in silico tools predicting a benign outcome, although these predictions have yet to be functionally assessed. The variant of interest was not observed in controls (ExAC, 1000 Gs or ESP), nor has it been, to our knowledge, reported in affected individuals via publications and/or reputable databases/clinical laboratories. Therefore, taking all available lines of evidence into consideration, the variant of interest is classified as a "Variant of Uncertain Significance (VUS)," until additional information becomes available.